The following is an entry in ClinVar:

NM_000937.5(POLR2A):c.4217C>T (p.Thr1406Ile)

Genes: POLR2A (RNA polymerase II subunit A; plus strand), LOC126862482 (CDK7 strongly-dependent group 2 enhancer GRCh37_chr17:7414586-7415785; plus strand). Cytogenetic location: 17p13.1.
Variant type: single nucleotide variant.
Coding change: c.4217C>T on transcript NM_000937.5 (MANE Select); coding-DNA position 4217, C replaced by T.
Protein change: p.Thr1406Ile; replaces threonine 1406 with isoleucine.
Molecular consequence: missense variant.
Genome position (GRCh38, 1-based): chr17:7,511,926, C>T. VCF-style: chr17-7511926-C-T. GRCh37 (hg19) VCF-style: chr17-7415245-C-T.
Other names: short protein forms T1406I.
Identifiers: ClinVar variation 3368289 (VCV003368289.1).

ClinVar aggregate classification (germline): Uncertain significance (1 of 4 stars; one submission).

Submission:

GeneDx
Classification: Uncertain significance. Last evaluated: 2024-01-24. Review status: criteria provided, single submitter. Criteria: GeneDx Variant Classification Process June 2021. Collection method: clinical testing. Allele origin: germline. Affected: yes.
Comment: Not observed at significant frequency in large population cohorts (gnomAD); In silico analysis supports that this missense variant has a deleterious effect on protein structure/function; Has not been previously published as pathogenic or benign to our knowledge